The following is an entry in ClinVar:

ClinVar aggregate classification (germline): Conflicting classifications of pathogenicity. Review status: criteria provided, conflicting classifications (1 of 4 stars). 5 submissions from 5 submitters: Uncertain significance (1); Likely benign (3). 1 of the submissions does not count toward it. Last evaluated 2026-01-17.

Conditions:
CDH3-related disorder. Also called: CDH3-related condition.
Inborn genetic diseases. Identifiers: MedGen C0950123, MeSH D030342.

Allele frequency attached by ClinVar (database versions not stated): gnomAD exomes 0.00016 and 0.00041; ExAC 0.00053; ESP Exome Variant Server 0.00131; 1000 Genomes Project 0.00140; gnomAD 0.00168 and 0.00183; TOPMed 0.00182; 1000 Genomes Project 30x 0.00187.
gnomAD v4.1: 494 of 1,614,120 alleles (0.031%); highest among the groups gnomAD compares: African/African-American, 0.58%; no homozygotes.

Submissions (5):

Labcorp Genetics (formerly Invitae), Labcorp
Classification: Likely benign. Last evaluated: 2026-01-17. Review status: criteria provided, single submitter. Criteria: Invitae Variant Classification Sherloc (09022015). Collection method: clinical testing. Allele origin: germline.

Ambry Genetics
Classification: Uncertain significance for Inborn genetic diseases. Last evaluated: 2025-10-06. Review status: criteria provided, single submitter. Criteria: Ambry Variant Classification Scheme 2023. Collection method: clinical testing. Allele origin: germline.

Blueprint Genetics
Classification: Likely benign. Last evaluated: 2024-07-10. Review status: criteria provided, single submitter. Criteria: ACMG Guidelines, 2015. Collection method: clinical testing. Allele origin: germline.

GeneDx
Classification: Likely benign. Last evaluated: 2021-03-13. Review status: criteria provided, single submitter. Criteria: GeneDx Variant Classification Process June 2021. Collection method: clinical testing. Allele origin: germline. Affected: yes.

PreventionGenetics, part of Exact Sciences
Classification: Likely benign for CDH3-related condition. Last evaluated: 2020-04-28. Review status: no assertion criteria provided. Collection method: clinical testing. Allele origin: germline. Not counted in ClinVar's aggregate classification.
Comment: This variant is classified as likely benign based on ACMG/AMP sequence variant interpretation guidelines (Richards et al. 2015 PMID: 25741868, with internal and published modifications).

NM_001793.6(CDH3):c.1117G>A (p.Asp373Asn)

Gene: CDH3 (cadherin 3; plus strand). Cytogenetic location: 16q22.1.
Variant type: single nucleotide variant.
Coding change: c.1117G>A on transcript NM_001793.6 (MANE Select); coding-DNA position 1117, G replaced by A.
Protein change: p.Asp373Asn; replaces aspartic acid 373 with asparagine.
Molecular consequence: missense variant.
Genome position (GRCh38, 1-based): chr16:68,682,422, G>A. VCF-style: chr16-68682422-G-A. GRCh37 (hg19) VCF-style: chr16-68716325-G-A.
Other names: c.1117G>A, p.Asp373Asn (NM_001317195.3); c.952G>A, p.Asp318Asn (NM_001317196.2); short protein forms D318N, D373N.
Identifiers: ClinVar variation 777040 (VCV000777040.17), dbSNP rs77592987, ClinGen allele CA8129260.